The following is an entry in ClinVar:

ClinVar aggregate classification (germline): Uncertain significance (1 of 4 stars; one submission).

Conditions:
Candidiasis, familial, 9 (CANDF9). Identifiers: Orphanet 1334, MedGen C4225324, MONDO:0014642, OMIM 616445.

Submission:

Labcorp Genetics (formerly Invitae), Labcorp
Classification: Uncertain significance for Candidiasis, familial, 9. Last evaluated: 2025-01-06. Review status: criteria provided, single submitter. Criteria: Invitae Variant Classification Sherloc (09022015). Collection method: clinical testing. Allele origin: germline.
Comment: This sequence change replaces glycine, which is neutral and non-polar, with arginine, which is basic and polar, at codon 735 of the IL17RC protein (p.Gly735Arg). This variant is not present in population databases (gnomAD no frequency). This variant has not been reported in the literature in individuals affected with IL17RC-related conditions. An algorithm developed to predict the effect of missense changes on protein structure and function outputs the following: PolyPhen-2: "Benign". The arginine amino acid residue is found in multiple mammalian species, which suggests that this missense change does not adversely affect protein function. In summary, the available evidence is currently insufficient to determine the role of this variant in disease. Therefore, it has been classified as a Variant of Uncertain Significance.

NM_153460.4(IL17RC):c.1990G>A (p.Gly664Arg)

Gene: IL17RC (interleukin 17 receptor C; plus strand). Cytogenetic location: 3p25.3.
Variant type: single nucleotide variant.
Coding change: c.1990G>A on transcript NM_153460.4 (MANE Select); coding-DNA position 1990, G replaced by A.
Protein change: p.Gly664Arg; replaces glycine 664 with arginine.
Molecular consequence: missense variant. On other transcripts: non-coding transcript variant (1).
Genome position (GRCh38, 1-based): chr3:9,933,420, G>A. VCF-style: chr3-9933420-G-A. GRCh37 (hg19) VCF-style: chr3-9975104-G-A.
Other names: c.1951G>A, p.Gly651Arg (NM_001203263.2); c.1900G>A, p.Gly634Arg (NM_001203264.2); c.1894G>A, p.Gly632Arg (NM_001203265.2); c.1912G>A, p.Gly638Arg (NM_001367278.1); c.1831G>A, p.Gly611Arg (NM_001367279.1); c.1906G>A, p.Gly636Arg (NM_001367280.1); c.1855G>A, p.Gly619Arg (NM_001410711.1); c.1945G>A, p.Gly649Arg (NM_032732.6); and 1 more; short protein forms G664R, G735R, G611R, G619R, G636R, G638R, G632R, G651R.
Identifiers: ClinVar variation 3716515 (VCV003716515.2).
Genomic context (GRCh38, chr3:9,933,420, plus strand): 5'-CCCGCCCTTTTCCGCACCGTGCCCGTCTTCACACTGCCCTCCCAACTGCCAGACTTCCTG[G>A]GGGCCCTGCAGCAGCCTCGCGCCCCGCGTTCCGGGCGGCTCCAAGAGAGAGCGGAGCAAG-3'
Protein context (NP_703190.2, residues 654-674): TLPSQLPDFL[Gly664Arg]ALQQPRAPRS